The following is an entry in ClinVar:

ClinVar aggregate classification (germline): Uncertain significance (1 of 4 stars; one submission).

gnomAD v4.1: 94 of 1,588,136 alleles (0.0059%); highest among the groups gnomAD compares: East Asian, 0.059%; 12 homozygotes.

Submission:

Ambry Genetics
Classification: Uncertain significance. Last evaluated: 2026-05-27. Review status: criteria provided, single submitter. Criteria: Ambry Variant Classification Scheme 2023. Collection method: clinical testing. Allele origin: germline.
Comment: The c.2416G>A (p.E806K) alteration is located in exon 20 (coding exon 20) of the DMBT1 gene. This alteration results from a G to A substitution at nucleotide position 2416, causing the glutamic acid (E) at amino acid position 806 to be replaced by a lysine (K). Based on data from gnomAD, the A allele has an overall frequency of 0.008% (21/274492) total alleles studied. The highest observed frequency was 0.054% (10/18514) of East Asian alleles. Based on insufficient or conflicting evidence, the clinical significance of this alteration remains unclear.

NM_001377530.1(DMBT1):c.2416G>A (p.Glu806Lys)

Gene: DMBT1 (deleted in malignant brain tumors 1; plus strand). Cytogenetic location: 10q26.13.
Variant type: single nucleotide variant.
Coding change: c.2416G>A on transcript NM_001377530.1 (MANE Select); coding-DNA position 2416, G replaced by A.
Protein change: p.Glu806Lys; replaces glutamic acid 806 with lysine.
Molecular consequence: missense variant. On other transcripts: intron variant (1).
Genome position (GRCh38, 1-based): chr10:122,592,511, G>A. VCF-style: chr10-122592511-G-A. GRCh37 (hg19) VCF-style: chr10-124352027-G-A.
Other names: c.2416G>A, p.Glu806Lys (NM_001320644.2, NM_007329.3); c.2386G>A, p.Glu796Lys (NM_017579.3); c.1421-5463G>A (NM_004406.3); short protein forms E796K, E806K.
Identifiers: ClinVar variation 4869841 (VCV004869841.1).